The following is an entry in ClinVar:

ClinVar aggregate classification (germline): Uncertain significance. Review status: criteria provided, multiple submitters, no conflicts (2 of 4 stars). 2 submissions from 2 submitters: Uncertain significance (2). Last evaluated 2023-07-10.

Conditions:
Familial thoracic aortic aneurysm and aortic dissection (TAAD). Also called: Thoracic aortic aneurysms and dissections. Identifiers: Orphanet 91387, MedGen C4707243, MONDO:0019625.
Aortic aneurysm, familial thoracic 4 (AAT4). Also called: AORTIC ANEURYSM/AORTIC DISSECTION AND PATENT DUCTUS ARTERIOSUS. Identifiers: MedGen C1851504, MONDO:0007568, OMIM 132900.

Submissions (2):

All of Us Research Program, National Institutes of Health
Classification: Uncertain significance for Familial thoracic aortic aneurysm and aortic dissection. Last evaluated: 2023-07-10. Review status: criteria provided, single submitter. Criteria: ACMG Guidelines, 2015. Collection method: clinical testing. Allele origin: germline. Inheritance: Autosomal dominant inheritance. Observed: 1 variant allele, 1 heterozygote.
Comment: This missense variant replaces glutamic acid with lysine at codon 52 of the MYH11 protein. Computational prediction suggests that this variant may not impact protein structure and function (internally defined REVEL score threshold <= 0.5, PMID: 27666373). To our knowledge, functional studies have not been reported for this variant. This variant has not been reported in individuals affected with MYH11-related disorders in the literature. This variant has not been identified in the general population by the Genome Aggregation Database (gnomAD). The available evidence is insufficient to determine the role of this variant in disease conclusively. Therefore, this variant is classified as a Variant of Uncertain Significance.

This study involves interpretation of variants in research participants for the purpose of population health screening. Participant phenotype was not available at the time of variant classification. Additional details can be found in publication PMID: 35346344, PMCID: PMC8962531

Labcorp Genetics (formerly Invitae), Labcorp
Classification: Uncertain significance for Aortic aneurysm, familial thoracic 4. Last evaluated: 2021-07-17. Review status: criteria provided, single submitter. Criteria: Invitae Variant Classification Sherloc (09022015). Collection method: clinical testing. Allele origin: germline.
Comment: Algorithms developed to predict the effect of missense changes on protein structure and function are either unavailable or do not agree on the potential impact of this missense change (SIFT: "Deleterious"; PolyPhen-2: "Probably Damaging"; Align-GVGD: "Class C0"). In summary, the available evidence is currently insufficient to determine the role of this variant in disease. Therefore, it has been classified as a Variant of Uncertain Significance. This variant has not been reported in the literature in individuals affected with MYH11-related conditions. This sequence change replaces glutamic acid with lysine at codon 52 of the MYH11 protein (p.Glu52Lys). The glutamic acid residue is highly conserved and there is a small physicochemical difference between glutamic acid and lysine. This variant is not present in population databases (ExAC no frequency).

NM_002474.3(MYH11):c.154G>A (p.Glu52Lys)

Gene: MYH11 (myosin heavy chain 11; minus strand). Cytogenetic location: 16p13.11.
Variant type: single nucleotide variant.
Coding change: c.154G>A on transcript NM_002474.3 (MANE Select); coding-DNA position 154, G replaced by A.
Protein change: p.Glu52Lys; replaces glutamic acid 52 with lysine.
Molecular consequence: missense variant.
Genome position (GRCh38, 1-based): chr16:15,838,099, C>T on the plus strand (G>A on the coding strand, the complement: MYH11 is on the minus strand). VCF-style: chr16-15838099-C-T. GRCh37 (hg19) VCF-style: chr16-15931956-C-T.
Other names: c.154G>A, p.Glu52Lys (NM_001040113.2, NM_001040114.2, NM_022844.3); short protein forms E52K.
Identifiers: ClinVar variation 1495341 (VCV001495341.9), dbSNP rs2151381441, ClinGen allele CA395198560.